The following is an entry in ClinVar:

ClinVar aggregate classification (germline): Pathogenic. Review status: criteria provided, multiple submitters, no conflicts (2 of 4 stars). 2 submissions from 2 submitters: Pathogenic (2). Last evaluated 2021-12-29.

Conditions:
Hereditary cancer-predisposing syndrome. Also called: Tumor predisposition; Neoplastic Syndromes, Hereditary; Hereditary Cancer Syndrome; Hereditary neoplastic syndrome. Identifiers: Orphanet 140162, MedGen C0027672, MeSH D009386, MONDO:0015356.
Cardiovascular phenotype. Identifiers: MedGen CN230736.
Neurofibromatosis, type 1 (NF1). Also called: Neurofibromatosis, type I; NEUROFIBROMATOSIS, TYPE I, SOMATIC; Peripheral type neurofibromatosis; VON RECKLINGHAUSEN DISEASE. Identifiers: Orphanet 636, MedGen C0027831, MONDO:0018975, OMIM 162200. Disease mechanism: loss of function.

Submissions (2):

Labcorp Genetics (formerly Invitae), Labcorp
Classification: Pathogenic for Neurofibromatosis, type 1. Last evaluated: 2021-12-29. Review status: criteria provided, single submitter. Criteria: Invitae Variant Classification Sherloc (09022015). Collection method: clinical testing. Allele origin: germline.
Comment: For these reasons, this variant has been classified as Pathogenic. ClinVar contains an entry for this variant (Variation ID: 404562). This variant has not been reported in the literature in individuals affected with NF1-related conditions. This variant is not present in population databases (gnomAD no frequency). This sequence change creates a premature translational stop signal (p.Asp1955Thrfs*3) in the NF1 gene. It is expected to result in an absent or disrupted protein product. Loss-of-function variants in NF1 are known to be pathogenic (PMID: 10712197, 23913538).

Ambry Genetics
Classification: Pathogenic for Cardiovascular phenotype; Hereditary cancer-predisposing syndrome. Last evaluated: 2020-09-18. Review status: criteria provided, single submitter. Criteria: Ambry Variant Classification Scheme 2023. Collection method: clinical testing. Allele origin: germline.
Comment: The c.5862delT pathogenic mutation, located in coding exon 39 of the NF1 gene, results from a deletion of one nucleotide at nucleotide position 5862, causing a translational frameshift with a predicted alternate stop codon (p.D1955Tfs*3). This alteration is expected to result in loss of function by premature protein truncation or nonsense-mediated mRNA decay. As such, this alteration is interpreted as a disease-causing mutation.

Literature cited by the submitters: PubMed 10712197 (cited by Labcorp Genetics (formerly Invitae), Labcorp); PubMed 23913538 (cited by Labcorp Genetics (formerly Invitae), Labcorp).

NM_001042492.3(NF1):c.5925del (p.Asp1976fs)

Gene: NF1 (neurofibromin 1; plus strand). Cytogenetic location: 17q11.2.
Variant type: Deletion.
Coding change: c.5925del on transcript NM_001042492.3 (MANE Select); coding-DNA position 5925, one base deleted (T; older notation c.5925delT).
Protein change: p.Asp1976fs; shifts the reading frame from aspartic acid 1976.
Molecular consequence: frameshift variant.
Genome position (GRCh38, 1-based): chr17:31,334,950, T deleted; the last of 2 consecutive T bases (chr17:31,334,949-31,334,950); deleting either gives the same sequence. VCF-style (leftmost placement, unchanged base first): chr17-31334948-CT-C. GRCh37 (hg19) VCF-style: chr17-29661966-CT-C.
Other names: c.5862delT (NM_000267.3); c.5862delT, p.Asp1955Thrfs (NM_000267.4); short protein forms D1976fs, D1955fs.
Identifiers: ClinVar variation 404562 (VCV000404562.7), dbSNP rs1060500349, ClinGen allele CA16615291.